The following is an entry in ClinVar:

ClinVar aggregate classification (germline): Likely benign (1 of 4 stars; one submission).

Submission:

CeGaT Center for Human Genetics Tuebingen
Classification: Likely benign. Last evaluated: 2026-04-01. Review status: criteria provided, single submitter. Criteria: CeGaT Center For Human Genetics Tuebingen Variant Classification Criteria Version 2. Collection method: clinical testing. Allele origin: germline. Affected: yes. Observed: 2 variant alleles.
Comment: EIF2B5: PM2:Supporting, BP4, BP7

NM_003907.3(EIF2B5):c.1386T>C (p.Asp462=)

Gene: EIF2B5 (eukaryotic translation initiation factor 2B subunit epsilon; plus strand). Cytogenetic location: 3q27.1.
Variant type: single nucleotide variant.
Coding change: c.1386T>C on transcript NM_003907.3 (MANE Select); coding-DNA position 1386, T replaced by C.
Protein change: p.Asp462=; no amino-acid change (aspartic acid 462 retained).
Molecular consequence: synonymous variant.
Genome position (GRCh38, 1-based): chr3:184,142,320, T>C. VCF-style: chr3-184142320-T-C. GRCh37 (hg19) VCF-style: chr3-183860108-T-C.
Identifiers: ClinVar variation 4822712 (VCV004822712.4).